The following is an entry in ClinVar:

NM_012472.6(DNAAF11):c.106C>G (p.Leu36Val)

Gene: DNAAF11 (dynein axonemal assembly factor 11; minus strand). Cytogenetic location: 8q24.22.
Variant type: single nucleotide variant.
Coding change: c.106C>G on transcript NM_012472.6 (MANE Select); coding-DNA position 106, C replaced by G.
Protein change: p.Leu36Val; replaces leucine 36 with valine.
Molecular consequence: missense variant. On other transcripts: 5 prime UTR variant (4), non-coding transcript variant (7), intron variant (1).
Genome position (GRCh38, 1-based): chr8:132,661,532, G>C on the plus strand (C>G on the coding strand, the complement: DNAAF11 is on the minus strand). VCF-style: chr8-132661532-G-C. GRCh37 (hg19) VCF-style: chr8-133673778-G-C.
Other names: c.106C>G, p.Leu36Val (NM_001321961.2); c.-255C>G (NM_001321963.2, NM_001321964.2, NM_001321966.2); c.-568C>G (NM_001321965.2); c.10+13952C>G (NM_001321962.2); short protein forms L36V.
Identifiers: ClinVar variation 1800010 (VCV001800010.2), dbSNP rs1412921217, ClinGen allele CA372296211.

ClinVar aggregate classification (germline): Uncertain significance (1 of 4 stars; one submission).

Conditions:
Primary ciliary dyskinesia. Also called: Ciliary dyskinesia. Identifiers: Orphanet 244, MedGen C0008780, MONDO:0016575, HP:0012265.

Allele frequency attached by ClinVar (database versions not stated): gnomAD exomes below 0.00001; TOPMed 0.00002.
gnomAD v4.1: 8 of 1,613,546 alleles (0.0005%); highest among the groups gnomAD compares: Admixed American, 0.012%; no homozygotes.

Submission:

Ambry Genetics
Classification: Uncertain significance for Primary ciliary dyskinesia. Last evaluated: 2022-02-07. Review status: criteria provided, single submitter. Criteria: Ambry Variant Classification Scheme 2023. Collection method: clinical testing. Allele origin: germline.
Comment: The p.L36V variant (also known as c.106C>G), located in coding exon 2 of the LRRC6 gene, results from a C to G substitution at nucleotide position 106. The leucine at codon 36 is replaced by valine, an amino acid with highly similar properties. This amino acid position is conserved. In addition, this alteration is predicted to be tolerated by in silico analysis. Since supporting evidence is limited at this time, the clinical significance of this alteration remains unclear.